The following is an entry in ClinVar:

ClinVar aggregate classification (germline): Uncertain significance (1 of 4 stars; one submission).

Allele frequency attached by ClinVar (database versions not stated): gnomAD exomes below 0.00001.
gnomAD v4.1: 1 of 1,614,112 alleles (0.000062%); highest among the groups gnomAD compares: Non-Finnish European, 0.000085%; no homozygotes.

Submission:

Labcorp Genetics (formerly Invitae), Labcorp
Classification: Uncertain significance. Last evaluated: 2023-07-17. Review status: criteria provided, single submitter. Criteria: Invitae Variant Classification Sherloc (09022015). Collection method: clinical testing. Allele origin: germline.
Comment: This sequence change replaces aspartic acid, which is acidic and polar, with glutamic acid, which is acidic and polar, at codon 124 of the USH1C protein (p.Asp124Glu). This variant is not present in population databases (gnomAD no frequency). This variant has not been reported in the literature in individuals affected with USH1C-related conditions. ClinVar contains an entry for this variant (Variation ID: 2122605). An algorithm developed to predict the effect of missense changes on protein structure and function (PolyPhen-2) suggests that this variant is likely to be tolerated. In summary, the available evidence is currently insufficient to determine the role of this variant in disease. Therefore, it has been classified as a Variant of Uncertain Significance.

NM_153676.4(USH1C):c.372C>G (p.Asp124Glu)

Gene: USH1C (USH1 protein network component harmonin; minus strand). Cytogenetic location: 11p15.1.
Variant type: single nucleotide variant.
Coding change: c.372C>G on transcript NM_153676.4 (MANE Select); coding-DNA position 372, C replaced by G.
Protein change: p.Asp124Glu; replaces aspartic acid 124 with glutamic acid.
Molecular consequence: missense variant. On other transcripts: non-coding transcript variant (1).
Genome position (GRCh38, 1-based): chr11:17,531,169, G>C on the plus strand (C>G on the coding strand, the complement: USH1C is on the minus strand). VCF-style: chr11-17531169-G-C. GRCh37 (hg19) VCF-style: chr11-17552716-G-C.
Other names: c.372C>G, p.Asp124Glu (NM_001297764.2, NM_005709.4); short protein forms D124E.
Identifiers: ClinVar variation 2122605 (VCV002122605.4), dbSNP rs1592022542, ClinGen allele CA379796713.
Genomic context (GRCh38, chr11:17,531,169, plus strand): 5'-GGTCCGAGGCCCTCGCTCCCCCTCCCCCGGACTCTGTTTGCTCACCTGGAGCCCGACGCT[G>C]TCTGCCTGACCGCCTTTGATGAGGTGGGAGATGAAGAGCCCACAGCCAAACTCCAGGCCA-3'
Protein context (NP_710142.1, residues 114-134): ISHLIKGGQA[Asp124Glu]SVGLQVGDEI